The following is an entry in ClinVar:

ClinVar aggregate classification (germline): Uncertain significance (1 of 4 stars; one submission).

Conditions:
Familial intrahepatic cholestasis. Identifiers: Orphanet 284385, MedGen CN296401, MONDO:0017290.

Submission:

Genomenon, Inc
Classification: Uncertain significance for Familial intrahepatic cholestasis. Last evaluated: 2026-04-14. Review status: criteria provided, single submitter. Criteria: Genomenon Sequence Variant Interpretation Standards - Updated. Collection method: curation. Allele origin: germline. Affected: yes.
Comment: ABCB11 p.Gly648Val (c.1943G>T) is a missense variant that changes the amino acid at residue 648 from Glycine to Valine. This variant has been observed in at least one proband with an ABCB11-related disorder (PMID:28733223). It is absent or not present at a significant frequency in gnomAD. In silico models predict that this variant is possibly or probably damaging. In conclusion, we classify ABCB11 p.Gly648Val (c.1943G>T) as a variant of uncertain significance.

Literature cited by the submitters: PubMed 28733223.

NM_003742.4(ABCB11):c.1943G>T (p.Gly648Val)

Gene: ABCB11 (ATP binding cassette subfamily B member 11; minus strand). Cytogenetic location: 2q31.1.
Variant type: single nucleotide variant.
Coding change: c.1943G>T on transcript NM_003742.4 (MANE Select); coding-DNA position 1943, G replaced by T.
Protein change: p.Gly648Val; replaces glycine 648 with valine.
Molecular consequence: missense variant.
Genome position (GRCh38, 1-based): chr2:168,969,418, C>A on the plus strand (G>T on the coding strand, the complement: ABCB11 is on the minus strand). VCF-style: chr2-168969418-C-A. GRCh37 (hg19) VCF-style: chr2-169825928-C-A.
Other names: short protein forms G648V.
Identifiers: ClinVar variation 4846029 (VCV004846029.1).
Genomic context (GRCh38, chr2:168,969,418, plus strand): 5'-TCCTCTTCATTAAGAGCTTGATTTCCCTGGCTTTGCAAAGTCACTAGAGTGAAGTAAACA[C>A]CTTTCCTTTCCAGTAATTCTTCATGGGTCCCTCTTTCCACTGCAGTGCCATGTTCAAAAC-3'
Protein context (NP_003733.2, residues 638-658): GTHEELLERK[Gly648Val]VYFTLVTLQS